The following is an entry in ClinVar:

ClinVar aggregate classification (germline): Uncertain significance. Review status: criteria provided, multiple submitters, no conflicts (2 of 4 stars). 2 submissions from 2 submitters: Uncertain significance (2). Last evaluated 2024-09-08.

Conditions:
Erythrocytosis, familial, 3 (ECYT3). Identifiers: Orphanet 247511, MedGen C1853286, MONDO:0012353, OMIM 609820.

Allele frequency attached by ClinVar (database versions not stated): TOPMed below 0.00001.

Submissions (2):

Labcorp Genetics (formerly Invitae), Labcorp
Classification: Uncertain significance for Erythrocytosis, familial, 3. Last evaluated: 2024-09-08. Review status: criteria provided, single submitter. Criteria: Invitae Variant Classification Sherloc (09022015). Collection method: clinical testing. Allele origin: germline.
Comment: This sequence change replaces valine, which is neutral and non-polar, with leucine, which is neutral and non-polar, at codon 83 of the EGLN1 protein (p.Val83Leu). This variant is not present in population databases (gnomAD no frequency). This variant has not been reported in the literature in individuals affected with EGLN1-related conditions. ClinVar contains an entry for this variant (Variation ID: 1791903). An algorithm developed to predict the effect of missense changes on protein structure and function (PolyPhen-2) suggests that this variant is likely to be tolerated. In summary, the available evidence is currently insufficient to determine the role of this variant in disease. Therefore, it has been classified as a Variant of Uncertain Significance.

Ambry Genetics
Classification: Uncertain significance. Last evaluated: 2022-09-24. Review status: criteria provided, single submitter. Criteria: Ambry Variant Classification Scheme 2023. Collection method: clinical testing. Allele origin: germline.
Comment: The p.V83L variant (also known as c.247G>T), located in coding exon 1 of the EGLN1 gene, results from a G to T substitution at nucleotide position 247. The valine at codon 83 is replaced by leucine, an amino acid with highly similar properties. This amino acid position is conserved. In addition, this alteration is predicted to be tolerated by in silico analysis. Since supporting evidence is limited at this time, the clinical significance of this alteration remains unclear.

NM_022051.3(EGLN1):c.247G>T (p.Val83Leu)

Gene: EGLN1 (egl-9 family hypoxia inducible factor 1; minus strand). Cytogenetic location: 1q42.2.
Variant type: single nucleotide variant.
Coding change: c.247G>T on transcript NM_022051.3 (MANE Select); coding-DNA position 247, G replaced by T.
Protein change: p.Val83Leu; replaces valine 83 with leucine.
Molecular consequence: missense variant.
Genome position (GRCh38, 1-based): chr1:231,421,642, C>A on the plus strand (G>T on the coding strand, the complement: EGLN1 is on the minus strand). VCF-style: chr1-231421642-C-A. GRCh37 (hg19) VCF-style: chr1-231557388-C-A.
Other names: c.247G>T, p.Val83Leu (NM_001377260.1, NM_001377261.1); short protein forms V83L.
Identifiers: ClinVar variation 1791903 (VCV001791903.4), dbSNP rs1451855470, ClinGen allele CA345238301.
Genomic context (GRCh38, chr1:231,421,642, plus strand): 5'-CGTTGTCCCGGCGCGCCGCTGCCTTCCTGGGCTCCCGGGCCCCGGCCCTGGGCGGCGGCA[C>A]TGCAGCCGGCGGCGCGGGGCCGGAATGCTGGTGTGGGCCCACTCCGTGGCCGAGGGCGCC-3'
Protein context (NP_071334.1, residues 73-93): QHSGPAPPAA[Val83Leu]PPPRAGAREP